The following is an entry in ClinVar:

NM_000535.7(PMS2):c.313G>T (p.Gly105Cys)

Gene: PMS2 (PMS1 homolog 2, mismatch repair system component; minus strand). Cytogenetic location: 7p22.1.
Variant type: single nucleotide variant.
Coding change: c.313G>T on transcript NM_000535.7 (MANE Select); coding-DNA position 313, G replaced by T.
Protein change: p.Gly105Cys; replaces glycine 105 with cysteine.
Molecular consequence: missense variant. On other transcripts: 5 prime UTR variant (9), non-coding transcript variant (1), intron variant (2).
Genome position (GRCh38, 1-based): chr7:6,003,730, C>A on the plus strand (G>T on the coding strand, the complement: PMS2 is on the minus strand). VCF-style: chr7-6003730-C-A. GRCh37 (hg19) VCF-style: chr7-6043361-C-A.
Other names: c.-93G>T (NM_001322003.2, NM_001322004.2, NM_001322005.2 and 3 more transcripts); c.313G>T, p.Gly105Cys (NM_001322006.2, NM_001322014.2); c.-572G>T (NM_001322011.2, NM_001322012.2); c.-172G>T (NM_001322015.2); c.35+242G>T (NM_001322008.2, NM_001322007.2); short protein forms G105C.
Identifiers: ClinVar variation 490101 (VCV000490101.10), dbSNP rs1554304666, ClinGen allele CA366744598.

ClinVar aggregate classification (germline): Uncertain significance. Review status: criteria provided, multiple submitters, no conflicts (2 of 4 stars). 2 submissions from 2 submitters: Uncertain significance (2). Last evaluated 2023-12-05.

Conditions:
Hereditary cancer-predisposing syndrome. Also called: Hereditary Cancer Syndrome; Neoplastic Syndromes, Hereditary; Tumor predisposition; Hereditary neoplastic syndrome. Identifiers: Orphanet 140162, MedGen C0027672, MeSH D009386, MONDO:0015356.

Submissions (2):

Color Diagnostics, LLC DBA Color Health
Classification: Uncertain significance for Hereditary cancer-predisposing syndrome. Last evaluated: 2023-12-05. Review status: criteria provided, single submitter. Criteria: ACMG Guidelines, 2015. Collection method: clinical testing. Allele origin: germline.
Comment: This missense variant replaces glycine with cysteine at codon 105 of the PMS2 protein. Computational prediction suggests that this variant may have deleterious impact on protein structure and function (internally defined REVEL score threshold >= 0.7, PMID: 27666373). To our knowledge, functional studies have not been reported for this variant. This variant has not been reported in individuals affected with PMS2-related disorders in the literature. This variant has not been identified in the general population by the Genome Aggregation Database (gnomAD). The available evidence is insufficient to determine the role of this variant in disease conclusively. Therefore, this variant is classified as a Variant of Uncertain Significance.

Ambry Genetics
Classification: Uncertain significance for Hereditary cancer-predisposing syndrome. Last evaluated: 2019-11-27. Review status: criteria provided, single submitter. Criteria: Ambry Variant Classification Scheme 2023. Collection method: clinical testing. Allele origin: germline.
Comment: The p.G105C variant (also known as c.313G>T), located in coding exon 4 of the PMS2 gene, results from a G to T substitution at nucleotide position 313. The glycine at codon 105 is replaced by cysteine, an amino acid with highly dissimilar properties. This amino acid position is highly conserved in available vertebrate species. In addition, this alteration is predicted to be deleterious by in silico analysis. Since supporting evidence is limited at this time, the clinical significance of this alteration remains unclear.